The following is an entry in ClinVar:

ClinVar aggregate classification (germline): Uncertain significance (1 of 4 stars; one submission).

Submission:

Labcorp Genetics (formerly Invitae), Labcorp
Classification: Uncertain significance. Last evaluated: 2024-04-06. Review status: criteria provided, single submitter. Criteria: Invitae Variant Classification Sherloc (09022015). Collection method: clinical testing. Allele origin: germline.
Comment: This sequence change replaces glutamine, which is neutral and polar, with proline, which is neutral and non-polar, at codon 488 of the PCDH15 protein (p.Gln488Pro). This variant is not present in population databases (gnomAD no frequency). This variant has not been reported in the literature in individuals affected with PCDH15-related conditions. Advanced modeling of protein sequence and biophysical properties (such as structural, functional, and spatial information, amino acid conservation, physicochemical variation, residue mobility, and thermodynamic stability) performed at Invitae indicates that this missense variant is not expected to disrupt PCDH15 protein function with a negative predictive value of 80%. In summary, the available evidence is currently insufficient to determine the role of this variant in disease. Therefore, it has been classified as a Variant of Uncertain Significance.

NM_001384140.1(PCDH15):c.1463A>C (p.Gln488Pro)

Gene: PCDH15 (protocadherin related 15; minus strand). Cytogenetic location: 10q21.1.
Variant type: single nucleotide variant.
Coding change: c.1463A>C on transcript NM_001384140.1 (MANE Select); coding-DNA position 1463, A replaced by C.
Protein change: p.Gln488Pro; replaces glutamine 488 with proline.
Molecular consequence: missense variant.
Genome position (GRCh38, 1-based): chr10:54,183,571, T>G on the plus strand (A>C on the coding strand, the complement: PCDH15 is on the minus strand). VCF-style: chr10-54183571-T-G. GRCh37 (hg19) VCF-style: chr10-55943331-T-G.
Other names: c.1478A>C, p.Gln493Pro (NM_001142763.2, NM_001142771.2); c.1463A>C, p.Gln488Pro (NM_001142764.2, NM_001142765.2, NM_001142766.2 and 6 more transcripts); c.1352A>C, p.Gln451Pro (NM_001142767.2); c.1397A>C, p.Gln466Pro (NM_001142768.2, NM_001142773.2, NM_001354404.2); c.1499A>C, p.Gln500Pro (NM_001142769.4); c.1484A>C, p.Gln495Pro (NM_001354411.2); short protein forms Q500P, Q451P, Q488P, Q493P, Q466P, Q495P.
Identifiers: ClinVar variation 3649045 (VCV003649045.2).